The following is an entry in ClinVar:

NM_031935.3(HMCN1):c.16243A>G (p.Ile5415Val)

Gene: HMCN1 (hemicentin 1; plus strand). Cytogenetic location: 1q31.1.
Variant type: single nucleotide variant.
Coding change: c.16243A>G on transcript NM_031935.3 (MANE Select); coding-DNA position 16243, A replaced by G.
Protein change: p.Ile5415Val; replaces isoleucine 5415 with valine.
Molecular consequence: missense variant.
Genome position (GRCh38, 1-based): chr1:186,178,715, A>G. VCF-style: chr1-186178715-A-G. GRCh37 (hg19) VCF-style: chr1-186147847-A-G.
Other names: short protein forms I5415V.
Identifiers: ClinVar variation 1935512 (VCV001935512.5), dbSNP rs773246700, ClinGen allele CA1295496.

ClinVar aggregate classification (germline): Uncertain significance (1 of 4 stars; one submission).

Allele frequency attached by ClinVar (database versions not stated): gnomAD exomes below 0.00001; TOPMed below 0.00001; ExAC 0.00001.
gnomAD v4.1: 4 of 1,614,132 alleles (0.00025%); highest among the groups gnomAD compares: South Asian, 0.0033%; no homozygotes.

Submission:

Labcorp Genetics (formerly Invitae), Labcorp
Classification: Uncertain significance. Last evaluated: 2022-06-14. Review status: criteria provided, single submitter. Criteria: Invitae Variant Classification Sherloc (09022015). Collection method: clinical testing. Allele origin: germline.
Comment: In summary, the available evidence is currently insufficient to determine the role of this variant in disease. Therefore, it has been classified as a Variant of Uncertain Significance. Algorithms developed to predict the effect of missense changes on protein structure and function output the following: SIFT: "Tolerated"; PolyPhen-2: "Benign"; Align-GVGD: "Class C0". The valine amino acid residue is found in multiple mammalian species, which suggests that this missense change does not adversely affect protein function. This variant has not been reported in the literature in individuals affected with HMCN1-related conditions. This variant is present in population databases (rs773246700, gnomAD 0.003%). This sequence change replaces isoleucine, which is neutral and non-polar, with valine, which is neutral and non-polar, at codon 5415 of the HMCN1 protein (p.Ile5415Val).